The following is an entry in ClinVar:

ClinVar aggregate classification (germline): Uncertain significance (1 of 4 stars; one submission).

gnomAD v4.1: 6 of 1,551,570 alleles (0.00039%); highest among the groups gnomAD compares: Admixed American, 0.0039%; no homozygotes.

Submission:

Ambry Genetics
Classification: Uncertain significance. Last evaluated: 2026-08-18. Review status: criteria provided, single submitter. Criteria: Ambry Variant Classification Scheme 2023. Collection method: clinical testing. Allele origin: germline.
Comment: The c.3688A>G (p.S1230G) alteration is located in exon 3 (coding exon 3) of the KIAA1671 gene. This alteration results from a A to G substitution at nucleotide position 3688, causing the serine (S) at amino acid position 1230 to be replaced by a glycine (G). Based on data from gnomAD, the G allele has an overall frequency of <0.001% (0/2034) total alleles studied. The highest observed frequency was <0.001% (/) of alleles. Based on insufficient or conflicting evidence, the clinical significance of this alteration remains unclear.

NM_001145206.2(KIAA1671):c.3688A>G (p.Ser1230Gly)

Gene: KIAA1671 (KIAA1671; plus strand). Cytogenetic location: 22q11.23.
Variant type: single nucleotide variant.
Coding change: c.3688A>G on transcript NM_001145206.2 (MANE Select); coding-DNA position 3688, A replaced by G.
Protein change: p.Ser1230Gly; replaces serine 1230 with glycine.
Molecular consequence: missense variant.
Genome position (GRCh38, 1-based): chr22:25,040,818, A>G. VCF-style: chr22-25040818-A-G. GRCh37 (hg19) VCF-style: chr22-25436785-A-G.
Other names: c.3688A>G, p.Ser1230Gly (NM_001386930.1, NM_001386932.1, NM_001386933.1); short protein forms S1230G.
Identifiers: ClinVar variation 5023150 (VCV005023150.1).